The following is an entry in ClinVar:

ClinVar aggregate classification (germline): Uncertain significance (1 of 4 stars; one submission).

Conditions:
Combined immunodeficiency due to CTPS1 deficiency. Also called: Severe combined immunodeficiency due to CTPS1 deficiency; Immunodeficiency 24. Identifiers: Orphanet 420573, MedGen C4014617, MONDO:0014391, OMIM 615897.

Submission:

Labcorp Genetics (formerly Invitae), Labcorp
Classification: Uncertain significance for Combined immunodeficiency due to CTPS1 deficiency. Last evaluated: 2023-12-07. Review status: criteria provided, single submitter. Criteria: Invitae Variant Classification Sherloc (09022015). Collection method: clinical testing. Allele origin: germline.
Comment: This sequence change falls in intron 10 of the CTPS1 gene. It does not directly change the encoded amino acid sequence of the CTPS1 protein. It affects a nucleotide within the consensus splice site. This variant is not present in population databases (gnomAD no frequency). This variant has not been reported in the literature in individuals affected with CTPS1-related conditions. Variants that disrupt the consensus splice site are a relatively common cause of aberrant splicing (PMID: 17576681, 9536098). Algorithms developed to predict the effect of sequence changes on RNA splicing suggest that this variant may disrupt the consensus splice site. In summary, the available evidence is currently insufficient to determine the role of this variant in disease. Therefore, it has been classified as a Variant of Uncertain Significance.

Literature cited by the submitters: PubMed 17576681; PubMed 9536098.

NM_001905.4(CTPS1):c.1094+5G>A

Gene: CTPS1 (CTP synthase 1; plus strand). Cytogenetic location: 1p34.2.
Variant type: single nucleotide variant.
Coding change: c.1094+5G>A on transcript NM_001905.4 (MANE Select); 5 bases into the intron after coding-DNA position 1094, G replaced by A.
Molecular consequence: intron variant.
Genome position (GRCh38, 1-based): chr1:41,001,122, G>A. VCF-style: chr1-41001122-G-A. GRCh37 (hg19) VCF-style: chr1-41466794-G-A.
Other names: c.626+5G>A (NM_001301237.2).
Identifiers: ClinVar variation 2701354 (VCV002701354.3), dbSNP rs2524326527, ClinGen allele CA2574333381.
Genomic context (GRCh38, chr1:41,001,122, plus strand): 5'-TCGCAAGAAGAGCCCGTGCGCTACCACGAAGCTTGGCAGAAGCTCTGTAGTGCTCAGTGA[G>A]TAGAGTTCGCTGCCTTGGGTTTCCAGAGTTCTTTTGGTTTGTTTTAATGAAAAAGTCCTC-3'